The following is an entry in ClinVar:

ClinVar aggregate classification (germline): Conflicting classifications of pathogenicity. Review status: criteria provided, conflicting classifications (1 of 4 stars). 6 submissions from 6 submitters: Uncertain significance (5); Likely benign (1). Last evaluated 2024-11-12.

Conditions:
Hereditary cancer-predisposing syndrome. Also called: Neoplastic Syndromes, Hereditary; Tumor predisposition; Hereditary Cancer Syndrome; Hereditary neoplastic syndrome. Identifiers: Orphanet 140162, MedGen C0027672, MeSH D009386, MONDO:0015356.
Familial cancer of breast. Also called: BREAST CANCER, FAMILIAL; hereditary breast carcinoma; Hereditary breast cancer. Identifiers: Orphanet 227535, MedGen C0346153, MONDO:0016419, OMIM 114480. Disease mechanism: loss of function.

Allele frequency attached by ClinVar (database versions not stated): ExAC 0.00001; gnomAD exomes 0.00001; ESP Exome Variant Server 0.00008.

Submissions (6):

Labcorp Genetics (formerly Invitae), Labcorp
Classification: Uncertain significance for Familial cancer of breast. Last evaluated: 2024-11-12. Review status: criteria provided, single submitter. Criteria: Invitae Variant Classification Sherloc (09022015). Collection method: clinical testing. Allele origin: germline.
Comment: This sequence change replaces histidine, which is basic and polar, with arginine, which is basic and polar, at codon 685 of the BARD1 protein (p.His685Arg). This variant is present in population databases (rs368488821, gnomAD 0.006%). This variant has not been reported in the literature in individuals affected with BARD1-related conditions. ClinVar contains an entry for this variant (Variation ID: 234207). An algorithm developed to predict the effect of missense changes on protein structure and function (PolyPhen-2) suggests that this variant is likely to be tolerated. In summary, the available evidence is currently insufficient to determine the role of this variant in disease. Therefore, it has been classified as a Variant of Uncertain Significance.

Color Diagnostics, LLC DBA Color Health
Classification: Uncertain significance for Hereditary cancer-predisposing syndrome. Last evaluated: 2024-10-20. Review status: criteria provided, single submitter. Criteria: ACMG Guidelines, 2015. Collection method: clinical testing. Allele origin: germline.
Comment: This missense variant replaces histidine with arginine at codon 685 of the BARD1 protein. Computational prediction suggests that this variant may not impact protein structure and function (internally defined REVEL score threshold <= 0.5, PMID: 27666373). To our knowledge, functional studies have not been reported for this variant. This variant has not been reported in individuals affected with BARD1-related disorders in the literature. This variant has been identified in 3/251192 chromosomes in the general population by the Genome Aggregation Database (gnomAD). The available evidence is insufficient to determine the role of this variant in disease conclusively. Therefore, this variant is classified as a Variant of Uncertain Significance.

Quest Diagnostics Nichols Institute San Juan Capistrano
Classification: Uncertain significance. Last evaluated: 2024-05-16. Review status: criteria provided, single submitter. Criteria: Quest Diagnostics criteria. Collection method: clinical testing. Allele origin: unknown.
Comment: The BARD1 c.2054A>G (p.His685Arg) variant has been reported in the published literature in in a reportedly healthy individual (PMID: 33471991 (2021), see also LOVD). The frequency of this variant in the general population, 0.000012 (3/251192 chromosomes (Genome Aggregation Database)), is uninformative in the assessment of its pathogenicity. Analysis of this variant using bioinformatics tools for the prediction of the effect of amino acid changes on protein structure and function yielded predictions that this variant is benign. Based on the available information, we are unable to determine the clinical significance of this variant.

Ambry Genetics
Classification: Likely benign for Hereditary cancer-predisposing syndrome. Last evaluated: 2024-02-23. Review status: criteria provided, single submitter. Criteria: Ambry Variant Classification Scheme 2023. Collection method: clinical testing. Allele origin: germline.

Women's Health and Genetics/Laboratory Corporation of America, LabCorp
Classification: Uncertain significance. Last evaluated: 2023-07-29. Review status: criteria provided, single submitter. Criteria: LabCorp Variant Classification Summary - May 2015. Collection method: clinical testing. Allele origin: germline.

Mendelics
Classification: Uncertain significance for Familial cancer of breast. Last evaluated: 2018-07-02. Review status: criteria provided, single submitter. Criteria: Mendelics Assertion Criteria 2017. Collection method: clinical testing. Allele origin: unknown.

Literature cited by the submitters: PubMed 33471991 (cited by Quest Diagnostics Nichols Institute San Juan Capistrano).

NM_000465.4(BARD1):c.2054A>G (p.His685Arg)

Gene: BARD1 (BRCA1 associated RING domain 1; minus strand). Cytogenetic location: 2q35.
Variant type: single nucleotide variant.
Coding change: c.2054A>G on transcript NM_000465.4 (MANE Select); coding-DNA position 2054, A replaced by G.
Protein change: p.His685Arg; replaces histidine 685 with arginine.
Molecular consequence: missense variant. On other transcripts: non-coding transcript variant (3).
Genome position (GRCh38, 1-based): chr2:214,728,956, T>C on the plus strand (A>G on the coding strand, the complement: BARD1 is on the minus strand). VCF-style: chr2-214728956-T-C. GRCh37 (hg19) VCF-style: chr2-215593680-T-C.
Other names: c.1997A>G, p.His666Arg (NM_001282543.2); c.701A>G, p.His234Arg (NM_001282545.2); c.644A>G, p.His215Arg (NM_001282548.2); c.515A>G, p.His172Arg (NM_001282549.2); short protein forms H685R, H666R, H172R, H215R, H234R.
Identifiers: ClinVar variation 234207 (VCV000234207.18), dbSNP rs368488821, ClinGen allele CA2090080.